The following is an entry in ClinVar:

ClinVar aggregate classification (germline): Uncertain significance. Review status: criteria provided, multiple submitters, no conflicts (2 of 4 stars). 3 submissions from 3 submitters: Uncertain significance (3). Last evaluated 2025-10-06.

Conditions:
Hereditary cancer-predisposing syndrome. Also called: Neoplastic Syndromes, Hereditary; Hereditary Cancer Syndrome; Tumor predisposition; Hereditary neoplastic syndrome. Identifiers: Orphanet 140162, MedGen C0027672, MeSH D009386, MONDO:0015356.
Familial adenomatous polyposis 1 (FAP1). Also called: POLYPOSIS, ADENOMATOUS INTESTINAL; FAMILIAL ADENOMATOUS POLYPOSIS 1, ATTENUATED. Identifiers: MedGen C2713442, MONDO:0021056, OMIM 175100. Disease mechanism: loss of function.

gnomAD v4.1: 1 of 1,613,950 alleles (0.000062%); highest among the groups gnomAD compares: Non-Finnish European, 0.000085%; no homozygotes.

Submissions (3):

Color Diagnostics, LLC DBA Color Health
Classification: Uncertain significance for Hereditary cancer-predisposing syndrome. Last evaluated: 2025-10-06. Review status: criteria provided, single submitter. Criteria: ACMG Guidelines, 2015. Collection method: clinical testing. Allele origin: germline.
Comment: This missense variant replaces leucine with methionine at codon 878 of the APC protein. Computational prediction suggests that this variant may not impact protein structure and function. APC is defined as a gene for which primarily truncating variants are known to cause disease (ClinGen HCCP VCEP). To our knowledge, functional studies have not been reported for this variant. This variant has not been reported in individuals affected with APC-related disorders in the literature. This variant has been identified in 1/1461882 chromosomes in the general population by the Genome Aggregation Database (gnomAD). The available evidence is insufficient to determine the role of this variant in disease conclusively. Therefore, this variant is classified as a Variant of Uncertain Significance.

Ambry Genetics
Classification: Uncertain significance for Hereditary cancer-predisposing syndrome. Last evaluated: 2024-11-15. Review status: criteria provided, single submitter. Criteria: Ambry Variant Classification Scheme 2023. Collection method: clinical testing. Allele origin: germline.
Comment: The p.L878M variant (also known as c.2632T>A), located in coding exon 15 of the APC gene, results from a T to A substitution at nucleotide position 2632. The leucine at codon 878 is replaced by methionine, an amino acid with highly similar properties. This amino acid position is not well conserved in available vertebrate species. In addition, in silico predictors for this gene do not accurately predict pathogenicity. Missense alterations in APC are not a common cause of disease (Spier I et al. Genet Med. 2024 Feb;26(2):100992). Based on the available evidence, the clinical significance of this variant remains unclear.

Labcorp Genetics (formerly Invitae), Labcorp
Classification: Uncertain significance for Familial adenomatous polyposis 1. Last evaluated: 2019-05-20. Review status: criteria provided, single submitter. Criteria: Invitae Variant Classification Sherloc (09022015). Collection method: clinical testing. Allele origin: germline.
Comment: In summary, the available evidence is currently insufficient to determine the role of this variant in disease. Therefore, it has been classified as a Variant of Uncertain Significance. Algorithms developed to predict the effect of missense changes on protein structure and function output the following: SIFT: "Tolerated"; PolyPhen-2: "Benign"; Align-GVGD: "Class C0". The methionine amino acid residue is found in multiple mammalian species, suggesting that this missense change does not adversely affect protein function. These predictions have not been confirmed by published functional studies and their clinical significance is uncertain. This variant has not been reported in the literature in individuals with APC-related conditions. This variant is not present in population databases (ExAC no frequency). This sequence change replaces leucine with methionine at codon 878 of the APC protein (p.Leu878Met). The leucine residue is moderately conserved and there is a small physicochemical difference between leucine and methionine.

NM_000038.6(APC):c.2632T>A (p.Leu878Met)

Gene: APC (APC regulator of Wnt signaling pathway; plus strand). Cytogenetic location: 5q22.2.
Variant type: single nucleotide variant.
Coding change: c.2632T>A on transcript NM_000038.6 (MANE Select); coding-DNA position 2632, T replaced by A.
Protein change: p.Leu878Met; replaces leucine 878 with methionine.
Molecular consequence: missense variant.
Genome position (GRCh38, 1-based): chr5:112,838,226, T>A. VCF-style: chr5-112838226-T-A. GRCh37 (hg19) VCF-style: chr5-112173923-T-A.
Other names: c.2632T>A, p.Leu878Met (NM_001127510.3, NM_001354895.2); c.2578T>A, p.Leu860Met (NM_001127511.3); c.2686T>A, p.Leu896Met (NM_001354896.2); c.2662T>A, p.Leu888Met (NM_001354897.2); c.2557T>A, p.Leu853Met (NM_001354898.2); c.2548T>A, p.Leu850Met (NM_001354899.2); c.2509T>A, p.Leu837Met (NM_001354900.2); c.2455T>A, p.Leu819Met (NM_001354901.2); and 5 more; short protein forms L718M, L819M, L896M, L853M, L878M, L888M, L787M, L837M.
Identifiers: ClinVar variation 943717 (VCV000943717.12), dbSNP rs1476958808, ClinGen allele CA16027085.